The following is an entry in ClinVar:

NM_005445.4(SMC3):c.538A>C (p.Lys180Gln)

Gene: SMC3 (structural maintenance of chromosomes 3; plus strand). Cytogenetic location: 10q25.2.
Variant type: single nucleotide variant.
Coding change: c.538A>C on transcript NM_005445.4 (MANE Select); coding-DNA position 538, A replaced by C.
Protein change: p.Lys180Gln; replaces lysine 180 with glutamine.
Molecular consequence: missense variant.
Genome position (GRCh38, 1-based): chr10:110,581,012, A>C. VCF-style: chr10-110581012-A-C. GRCh37 (hg19) VCF-style: chr10-112340770-A-C.
Other names: short protein forms K180Q.
Identifiers: ClinVar variation 2122996 (VCV002122996.4), dbSNP rs2493111137, ClinGen allele CA378375675.

ClinVar aggregate classification (germline): Uncertain significance (1 of 4 stars; one submission).

Conditions:
Cornelia de Lange syndrome 3 (CDLS3). Also called: SMC3-Related Cornelia de Lange Syndrome; CORNELIA DE LANGE SYNDROME 3 WITH OR WITHOUT MIDLINE BRAIN DEFECTS. Identifiers: Orphanet 199, MedGen C1853099, MONDO:0012555, OMIM 610759.

Submission:

Labcorp Genetics (formerly Invitae), Labcorp
Classification: Uncertain significance for Cornelia de Lange syndrome 3. Last evaluated: 2022-04-12. Review status: criteria provided, single submitter. Criteria: Invitae Variant Classification Sherloc (09022015). Collection method: clinical testing. Allele origin: germline.
Comment: This sequence change replaces lysine, which is basic and polar, with glutamine, which is neutral and polar, at codon 180 of the SMC3 protein (p.Lys180Gln). In summary, the available evidence is currently insufficient to determine the role of this variant in disease. Therefore, it has been classified as a Variant of Uncertain Significance. Algorithms developed to predict the effect of missense changes on protein structure and function (SIFT, PolyPhen-2, Align-GVGD) all suggest that this variant is likely to be tolerated. This variant has not been reported in the literature in individuals affected with SMC3-related conditions. This variant is not present in population databases (gnomAD no frequency).